The following is an entry in ClinVar:

ClinVar aggregate classification (germline): Uncertain significance. Review status: criteria provided, multiple submitters, no conflicts (2 of 4 stars). 3 submissions from 3 submitters: Uncertain significance (3). Last evaluated 2024-01-26.

Conditions:
Cowden syndrome 6 (CWS6). Identifiers: Orphanet 201, MedGen C3554519, MONDO:0014048, OMIM 615109.
Inborn genetic diseases. Identifiers: MedGen C0950123, MeSH D030342.

Allele frequency attached by ClinVar (database versions not stated): gnomAD exomes 0.00001; TOPMed 0.00001; gnomAD 0.00003.
gnomAD v4.1: 39 of 1,613,950 alleles (0.0024%); highest among the groups gnomAD compares: African/African-American, 0.0053%; no homozygotes.

Submissions (3):

Women's Health and Genetics/Laboratory Corporation of America, LabCorp
Classification: Uncertain significance. Last evaluated: 2024-01-26. Review status: criteria provided, single submitter. Criteria: LabCorp Variant Classification Summary - May 2015. Collection method: clinical testing. Allele origin: germline.
Comment: Variant summary: AKT1 c.362G>A (p.Arg121Gln) results in a conservative amino acid change in the encoded protein sequence. Four of five in-silico tools predict a benign effect of the variant on protein function. The variant allele was found at a frequency of 8e-06 in 251330 control chromosomes. The available data on variant occurrences in the general population are insufficient to allow any conclusion about variant significance. To our knowledge, no occurrence of c.362G>A in individuals affected with AKT1-related diseases and no experimental evidence demonstrating its impact on protein function have been reported. ClinVar contains an entry for this variant (Variation ID: 659394). Based on the evidence outlined above, the variant was classified as uncertain significance.

Ambry Genetics
Classification: Uncertain significance for Inborn genetic diseases. Last evaluated: 2023-12-04. Review status: criteria provided, single submitter. Criteria: Ambry Variant Classification Scheme 2023. Collection method: clinical testing. Allele origin: germline.
Comment: The p.R121Q variant (also known as c.362G>A), located in coding exon 4 of the AKT1 gene, results from a G to A substitution at nucleotide position 362. The arginine at codon 121 is replaced by glutamine, an amino acid with highly similar properties. This amino acid position is conserved. In addition, this alteration is predicted to be tolerated by in silico analysis. Since supporting evidence is limited at this time, the clinical significance of this alteration remains unclear.

Labcorp Genetics (formerly Invitae), Labcorp
Classification: Uncertain significance for Cowden syndrome 6. Last evaluated: 2021-08-31. Review status: criteria provided, single submitter. Criteria: Invitae Variant Classification Sherloc (09022015). Collection method: clinical testing. Allele origin: germline.
Comment: This sequence change replaces arginine with glutamine at codon 121 of the AKT1 protein (p.Arg121Gln). The arginine residue is weakly conserved and there is a small physicochemical difference between arginine and glutamine. This variant is not present in population databases (ExAC no frequency). This variant has not been reported in the literature in individuals affected with AKT1-related conditions. Algorithms developed to predict the effect of missense changes on protein structure and function output the following: SIFT: "Tolerated"; PolyPhen-2: "Benign"; Align-GVGD: "Class C0". The glutamine amino acid residue is found in multiple mammalian species, which suggests that this missense change does not adversely affect protein function. In summary, the available evidence is currently insufficient to determine the role of this variant in disease. Therefore, it has been classified as a Variant of Uncertain Significance.

NM_001382430.1(AKT1):c.362G>A (p.Arg121Gln)

Gene: AKT1 (AKT serine/threonine kinase 1; minus strand). Cytogenetic location: 14q32.33.
Variant type: single nucleotide variant.
Coding change: c.362G>A on transcript NM_001382430.1 (MANE Select); coding-DNA position 362, G replaced by A.
Protein change: p.Arg121Gln; replaces arginine 121 with glutamine.
Molecular consequence: missense variant.
Genome position (GRCh38, 1-based): chr14:104,775,725, C>T on the plus strand (G>A on the coding strand, the complement: AKT1 is on the minus strand). VCF-style: chr14-104775725-C-T. GRCh37 (hg19) VCF-style: chr14-105242062-C-T.
Other names: c.362G>A, p.Arg121Gln (NM_001014431.2, NM_001014432.2, NM_001382431.1 and 3 more transcripts); short protein forms R121Q.
Identifiers: ClinVar variation 659394 (VCV000659394.9), dbSNP rs1457484217, ClinGen allele CA391220195.
Genomic context (GRCh38, chr14:104,775,725, plus strand): 5'-GGCTTGGCCAGGGACACCTCCATCTCTTCAGCCCCTGAGTTGTCACTGGGTGAGCCCGAC[C>T]GGAAGTCCATCTCCTCCTCCTCCTGCTTCTTGAGGCCGTCAGCCACAGTCTGGATGGCGG-3'
Protein context (NP_001369359.1, residues 111-131): KKQEEEEMDF[Arg121Gln]SGSPSDNSGA